The following is an entry in ClinVar:

ClinVar aggregate classification (germline): Uncertain significance. Review status: criteria provided, multiple submitters, no conflicts (2 of 4 stars). 2 submissions from 2 submitters: Uncertain significance (2). Last evaluated 2025-07-22.

Conditions:
DICER1-related tumor predisposition. Also called: DICER1 syndrome; DICER1-related pleuropulmonary blastoma cancer predisposition syndrome. Identifiers: Orphanet 284343, MedGen C3839822, MONDO:0100216.
Hereditary cancer-predisposing syndrome. Also called: Hereditary neoplastic syndrome; Tumor predisposition; Hereditary Cancer Syndrome; Neoplastic Syndromes, Hereditary. Identifiers: Orphanet 140162, MedGen C0027672, MeSH D009386, MONDO:0015356.

Allele frequency attached by ClinVar (database versions not stated): gnomAD exomes below 0.00001.
gnomAD v4.1: 1 of 1,614,206 alleles (0.000062%); highest among the groups gnomAD compares: South Asian, 0.0011%; no homozygotes.

Submissions (2):

Ambry Genetics
Classification: Uncertain significance for Hereditary cancer-predisposing syndrome. Last evaluated: 2025-07-22. Review status: criteria provided, single submitter. Criteria: Ambry Variant Classification Scheme 2023. Collection method: clinical testing. Allele origin: germline.
Comment: The p.A1622T variant (also known as c.4864G>A), located in coding exon 22 of the DICER1 gene, results from a G to A substitution at nucleotide position 4864. The alanine at codon 1622 is replaced by threonine, an amino acid with similar properties. This amino acid position is well conserved in available vertebrate species. In addition, this alteration is predicted to be tolerated by in silico analysis. Based on the available evidence, the clinical significance of this variant remains unclear.

Labcorp Genetics (formerly Invitae), Labcorp
Classification: Uncertain significance for DICER1-related tumor predisposition. Last evaluated: 2023-05-20. Review status: criteria provided, single submitter. Criteria: Invitae Variant Classification Sherloc (09022015). Collection method: clinical testing. Allele origin: germline.
Comment: Algorithms developed to predict the effect of missense changes on protein structure and function output the following: SIFT: "Not Available"; PolyPhen-2: "Benign"; Align-GVGD: "Not Available". The threonine amino acid residue is found in multiple mammalian species, which suggests that this missense change does not adversely affect protein function. In summary, the available evidence is currently insufficient to determine the role of this variant in disease. Therefore, it has been classified as a Variant of Uncertain Significance. ClinVar contains an entry for this variant (Variation ID: 575235). This variant has not been reported in the literature in individuals affected with DICER1-related conditions. This variant is not present in population databases (gnomAD no frequency). This sequence change replaces alanine, which is neutral and non-polar, with threonine, which is neutral and polar, at codon 1622 of the DICER1 protein (p.Ala1622Thr).

NM_177438.3(DICER1):c.4864G>A (p.Ala1622Thr)

Gene: DICER1 (dicer 1, ribonuclease III; minus strand). Cytogenetic location: 14q32.13.
Variant type: single nucleotide variant.
Coding change: c.4864G>A on transcript NM_177438.3 (MANE Select); coding-DNA position 4864, G replaced by A.
Protein change: p.Ala1622Thr; replaces alanine 1622 with threonine.
Molecular consequence: missense variant.
Genome position (GRCh38, 1-based): chr14:95,096,056, C>T on the plus strand (G>A on the coding strand, the complement: DICER1 is on the minus strand). VCF-style: chr14-95096056-C-T. GRCh37 (hg19) VCF-style: chr14-95562393-C-T.
Other names: c.4864G>A, p.Ala1622Thr (NM_001195573.1, NM_001271282.3, NM_001291628.2 and 1 more transcripts); short protein forms A1622T.
Identifiers: ClinVar variation 575235 (VCV000575235.11), dbSNP rs1007550524, ClinGen allele CA265897831.